The following is an entry in ClinVar:

NM_001267550.2(TTN):c.21278C>T (p.Thr7093Ile)

Genes: TTN (titin; minus strand), LOC126806428 (BRD4-independent group 4 enhancer GRCh37_chr2:179588362-179589561; plus strand). Cytogenetic location: 2q31.2.
Variant type: single nucleotide variant.
Coding change: c.21278C>T on transcript NM_001267550.2 (MANE Select); coding-DNA position 21278, C replaced by T.
Protein change: p.Thr7093Ile; replaces threonine 7093 with isoleucine.
Molecular consequence: missense variant. On other transcripts: intron variant (3).
Genome position (GRCh38, 1-based): chr2:178,723,981, G>A on the plus strand (C>T on the coding strand, the complement: TTN is on the minus strand). VCF-style: chr2-178723981-G-A. GRCh37 (hg19) VCF-style: chr2-179588708-G-A.
Other names: c.20327C>T, p.Thr6776Ile (NM_001256850.1); c.17546C>T, p.Thr5849Ile (NM_133378.4); c.13282+14101C>T (NM_003319.4); c.13858+14101C>T (NM_133437.4); c.13657+14101C>T (NM_133432.3); short protein forms T5849I, T6776I, T7093I.
Identifiers: ClinVar variation 4071657 (VCV004071657.1).

ClinVar aggregate classification (germline): Uncertain significance (1 of 4 stars; one submission).

Submission:

GeneDx
Classification: Uncertain significance. Last evaluated: 2025-01-22. Review status: criteria provided, single submitter. Criteria: GeneDx Variant Classification Process June 2021. Collection method: clinical testing. Allele origin: germline. Affected: yes.
Comment: Not observed at significant frequency in large population cohorts (gnomAD); Missense variant in a gene in which most reported pathogenic variants are truncating/loss of function; Has not been previously published as pathogenic or benign to our knowledge